The following is an entry in ClinVar:

ClinVar aggregate classification (germline): Uncertain significance (1 of 4 stars; one submission).

Conditions:
Familial thoracic aortic aneurysm and aortic dissection (TAAD). Also called: Thoracic aortic aneurysms and dissections. Identifiers: Orphanet 91387, MedGen C4707243, MONDO:0019625.

Submission:

Ambry Genetics
Classification: Uncertain significance for Familial thoracic aortic aneurysm and aortic dissection. Last evaluated: 2021-09-09. Review status: criteria provided, single submitter. Criteria: Ambry Variant Classification Scheme 2023. Collection method: clinical testing. Allele origin: germline.
Comment: The p.F1773L variant (also known as c.5319C>G), located in coding exon 28 of the NOTCH1 gene, results from a C to G substitution at nucleotide position 5319. The phenylalanine at codon 1773 is replaced by leucine, an amino acid with highly similar properties. This amino acid position is conserved. In addition, this alteration is predicted to be deleterious by in silico analysis. Since supporting evidence is limited at this time, the clinical significance of this alteration remains unclear.

NM_017617.5(NOTCH1):c.5319C>G (p.Phe1773Leu)

Gene: NOTCH1 (notch receptor 1; minus strand). Cytogenetic location: 9q34.3.
Variant type: single nucleotide variant.
Coding change: c.5319C>G on transcript NM_017617.5 (MANE Select); coding-DNA position 5319, C replaced by G.
Protein change: p.Phe1773Leu; replaces phenylalanine 1773 with leucine.
Molecular consequence: missense variant.
Genome position (GRCh38, 1-based): chr9:136,502,337, G>C on the plus strand (C>G on the coding strand, the complement: NOTCH1 is on the minus strand). VCF-style: chr9-136502337-G-C. GRCh37 (hg19) VCF-style: chr9-139396789-G-C.
Other names: short protein forms F1773L.
Identifiers: ClinVar variation 1746795 (VCV001746795.2), dbSNP rs1455019502, ClinGen allele CA375640564.
Genomic context (GRCh38, chr9:136,502,337, plus strand): 5'-GCCCACGGAGTCCTCGCCGAGGGGCTCCCGCCGCTTCTTCTTGCTGGCCTCAGACACTTT[G>C]AAGCCCTCAGGGAACCAGAGCTGGCCATGCTGCCGCCGGCGCTTGCGGGACAGCAGCACC-3'
Protein context (NP_060087.3, residues 1763-1783): QHGQLWFPEG[Phe1773Leu]KVSEASKKKR